The following is an entry in ClinVar:

ClinVar aggregate classification (germline): Uncertain significance (1 of 4 stars; one submission).

Submission:

GeneDx
Classification: Uncertain significance. Last evaluated: 2023-07-19. Review status: criteria provided, single submitter. Criteria: GeneDx Variant Classification Process June 2021. Collection method: clinical testing. Allele origin: germline. Affected: yes.
Comment: Not observed at significant frequency in large population cohorts (gnomAD); In silico analysis supports that this missense variant does not alter protein structure/function; Has not been previously published as pathogenic or benign to our knowledge

NM_006734.4(HIVEP2):c.470G>A (p.Ser157Asn)

Gene: HIVEP2 (HIVEP zinc finger 2; minus strand). Cytogenetic location: 6q24.2.
Variant type: single nucleotide variant.
Coding change: c.470G>A on transcript NM_006734.4 (MANE Select); coding-DNA position 470, G replaced by A.
Protein change: p.Ser157Asn; replaces serine 157 with asparagine.
Molecular consequence: missense variant.
Genome position (GRCh38, 1-based): chr6:142,774,269, C>T on the plus strand (G>A on the coding strand, the complement: HIVEP2 is on the minus strand). VCF-style: chr6-142774269-C-T. GRCh37 (hg19) VCF-style: chr6-143095406-C-T.
Other names: short protein forms S157N.
Identifiers: ClinVar variation 3361303 (VCV003361303.1).
Genomic context (GRCh38, chr6:142,774,269, plus strand): 5'-TGAGCCTCTTCTGCCTGTTCAATACTTTTCTGGGAGTATTGGCTATAAGCAGGGTTCAGA[C>T]TTGAAATCTTTTTTCTAGGATAACCACCACTGTGGCCATGTATAGGAAAAGGAAATAAGT-3'
Protein context (NP_006725.3, residues 147-167): SGGYPRKKIS[Ser157Asn]LNPAYSQYSQ